The following is an entry in ClinVar:

ClinVar aggregate classification (germline): Pathogenic (1 of 4 stars; one submission).

Allele frequency attached by ClinVar (database versions not stated): gnomAD exomes below 0.00001.
gnomAD v4.1: 1 of 1,614,098 alleles (0.000062%); highest among the groups gnomAD compares: Non-Finnish European, 0.000085%; no homozygotes.

Submission:

Labcorp Genetics (formerly Invitae), Labcorp
Classification: Pathogenic. Last evaluated: 2023-03-09. Review status: criteria provided, single submitter. Criteria: Invitae Variant Classification Sherloc (09022015). Collection method: clinical testing. Allele origin: germline.
Comment: This premature translational stop signal has been observed in individual(s) with Stargardt disease (PMID: 28559085). For these reasons, this variant has been classified as Pathogenic. This variant is not present in population databases (gnomAD no frequency). This sequence change creates a premature translational stop signal (p.Trp548*) in the ABCA4 gene. It is expected to result in an absent or disrupted protein product. Loss-of-function variants in ABCA4 are known to be pathogenic (PMID: 10958761, 24938718, 25312043, 26780318).

Literature cited by the submitters: PubMed 28559085; PubMed 10958761; PubMed 24938718; PubMed 25312043; PubMed 26780318.

NM_000350.3(ABCA4):c.1644G>A (p.Trp548Ter)

Gene: ABCA4 (ATP binding cassette subfamily A member 4; minus strand). Cytogenetic location: 1p22.1.
Variant type: single nucleotide variant.
Coding change: c.1644G>A on transcript NM_000350.3 (MANE Select); coding-DNA position 1644, G replaced by A.
Protein change: p.Trp548Ter; replaces tryptophan 548 with a stop codon.
Molecular consequence: nonsense.
Genome position (GRCh38, 1-based): chr1:94,063,228, C>T on the plus strand (G>A on the coding strand, the complement: ABCA4 is on the minus strand). VCF-style: chr1-94063228-C-T. GRCh37 (hg19) VCF-style: chr1-94528784-C-T.
Other names: c.1644G>A, p.Trp548Ter (NM_001425324.1); short protein forms W548*.
Identifiers: ClinVar variation 2910120 (VCV002910120.3), dbSNP rs2523844007, ClinGen allele CA341280352.
Genomic context (GRCh38, chr1:94,063,228, plus strand): 5'-CTTCACGTGGGGTGGTAGAGAGCTGGTCCAGGGATACATGTCAGGGAATACCACTCCGGC[C>T]CAGAACATGTTTTCCTCCAGTAGAGAGAGGGCACGTTGGGTGAGCTGAGTTTCATCATTG-3'